The following is an entry in ClinVar:

NM_001383.6(DPH1):c.359T>C (p.Leu120Pro)

Gene: DPH1 (diphthamide biosynthesis 1; plus strand). Cytogenetic location: 17p13.3.
Variant type: single nucleotide variant.
Coding change: c.359T>C on transcript NM_001383.6 (MANE Select); coding-DNA position 359, T replaced by C.
Protein change: p.Leu120Pro; replaces leucine 120 with proline.
Molecular consequence: missense variant. On other transcripts: non-coding transcript variant (3), intron variant (1).
Genome position (GRCh38, 1-based): chr17:2,036,050, T>C. VCF-style: chr17-2036050-T-C. GRCh37 (hg19) VCF-style: chr17-1939344-T-C.
Other names: c.374T>C, p.Leu125Pro (NM_001346574.1, NM_001346575.1); c.-5-479T>C (NM_001346576.2); short protein forms L125P, L120P.
Identifiers: ClinVar variation 521028 (VCV000521028.35), dbSNP rs200530055, ClinGen allele CA8276945.

ClinVar aggregate classification (germline): Conflicting classifications of pathogenicity. Review status: criteria provided, conflicting classifications (1 of 4 stars). 15 submissions from 15 submitters: Pathogenic (4); Likely pathogenic (8); Uncertain significance (1). 2 of the submissions do not count toward it. Last evaluated 2026-03-09.

Conditions:
Developmental delay with short stature, dysmorphic facial features, and sparse hair. Also called: Developmental delay with short stature, dysmorphic features, and sparse hair. Identifiers: Orphanet 459061, MedGen C4310801, MONDO:0031632.
DPH1-related disorder. Also called: DPH1-related condition.
Inborn genetic diseases. Identifiers: MedGen C0950123, MeSH D030342.
Developmental delay with short stature, dysmorphic facial features, and sparse hair 1. Also called: LOUCKS-INNES SYNDROME. Identifiers: MedGen CN323360, MONDO:0800438, OMIM 616901.

Allele frequency attached by ClinVar (database versions not stated): ESP Exome Variant Server 0.00016; 1000 Genomes Project 30x 0.00031; gnomAD exomes 0.00052 and 0.00029; 1000 Genomes Project 0.00020; ExAC 0.00024; gnomAD 0.00027 and 0.00029; TOPMed 0.00038.
gnomAD v4.1: 800 of 1,613,970 alleles (0.05%); highest among the groups gnomAD compares: Admixed American, 0.077%; no homozygotes.

Submissions (15):

Dasa
Classification: Likely pathogenic. Last evaluated: 2026-03-09. Review status: criteria provided, single submitter. Criteria: DASA Assertion Criteria. Collection method: clinical testing. Allele origin: germline.
Comment: NM_001383.6(DPH1):c.359T>C (p.Leu120Pro) is a missense variant that results in the substitution of leucine with proline. Segregation data support an association with disease in the reported family/families (PMID: 30877278). This variant has been recurrently observed in individuals with DPH1-related disorders (PMID: 30877278; PMID: 37326029; PMID: 36647814; PMID: 32732226). Functional evidence supports an impact on the gene or gene product. Also, this variant is rare in population databases. Computational evidence supports a deleterious effect. Based on the currently available evidence, this variant is classified as likely pathogenic.

OLLIN Analises Genomicas, OLLIN
Classification: Likely pathogenic for Developmental delay with short stature, dysmorphic facial features, and sparse hair 1. Last evaluated: 2026-02-13. Review status: criteria provided, single submitter. Criteria: ACMG Guidelines 2015 PMID 25741868. Collection method: clinical testing. Allele origin: germline. Observed: 1 variant allele.
Comment: PS3_M, PM2_P, PM3_M, PP1, PP3

Women's Health and Genetics/Laboratory Corporation of America, LabCorp
Classification: Likely pathogenic for Developmental delay with short stature, dysmorphic facial features, and sparse hair 1. Last evaluated: 2026-02-03. Review status: criteria provided, single submitter. Criteria: LabCorp Variant Classification Summary - May 2015. Collection method: clinical testing. Allele origin: germline.
Comment: Variant summary: DPH1 c.359T>C (p.Leu120Pro) results in a non-conservative amino acid change in the encoded protein sequence. Algorithms developed to predict the effect of missense changes on protein structure and function are either unavailable or do not agree on the potential impact of this missense change. The variant allele was found at a frequency of 0.00029 in 248874 control chromosomes (gnomAD). This frequency is not significantly higher than estimated for disease-causing variants in DPH1, allowing no conclusion about variant significance. c.359T>C has been observed in homozygous state in two siblings who had a phenotype consistent with DPH1-related disorders, and in multiple fetuses with various abnormalities (e.g. Urreizti_2020, Lefebvre_2021, Drexler_2023, Faas_2023). These data indicate that the variant is very likely to be associated with disease. At least one publication reports experimental evidence evaluating an impact on protein function demonstrating defective ADP-ribosylation of EEF2 (Urreizti_2020). The following publications have been ascertained in the context of this evaluation (PMID: 32732226, 30877278, 37326029, 36647814, 40662098, 39843441, 35577939). ClinVar contains an entry for this variant (Variation ID: 521028). Based on the evidence outlined above, the variant was classified as likely pathogenic.

Revvity Omics, Revvity
Classification: Likely pathogenic for Developmental delay with short stature, dysmorphic facial features, and sparse hair 1. Last evaluated: 2025-04-02. Review status: criteria provided, single submitter. Criteria: ACMG Guidelines, 2015. Collection method: clinical testing. Allele origin: germline.

Department of Genetics, Rouen University Hospital, Normandy Center for Genomic and Personalized Medicine
Classification: Pathogenic for Developmental delay with short stature, dysmorphic facial features, and sparse hair 1. Last evaluated: 2025-03-26. Review status: criteria provided, single submitter. Criteria: ACMG Guidelines, 2015. Collection method: clinical testing. Allele origin: biparental. Affected: yes.

Ambry Genetics
Classification: Likely pathogenic for Inborn genetic diseases. Last evaluated: 2024-11-14. Review status: criteria provided, single submitter. Criteria: Ambry Variant Classification Scheme 2023. Collection method: clinical testing. Allele origin: germline.
Comment: The c.374T>C (p.L125P) alteration is located in coding exon 4 of the DPH1 gene. This alteration results from a T to C substitution at nucleotide position 374, causing the leucine (L) at amino acid position 125 to be replaced by a proline (P). Based on data from gnomAD, the C allele has an overall frequency of 0.029% (80/280222) total alleles studied. The highest observed frequency was 0.059% (21/35334) of Latino alleles. This variant has been identified in the homozygous state and/or in conjunction with other DPH1 variant(s) in individual(s) with features consistent with DPH1-related neurodevelopmental disorder (Ambry internal data; Urreizti, 2020; Lefebvre, 2021; Faas, 2023; Drexler, 2023). This amino acid position is highly conserved in available vertebrate species. This alteration is predicted to be deleterious by in silico analysis. Based on the available evidence, this alteration is classified as likely pathogenic.

GeneDx
Classification: Pathogenic. Last evaluated: 2024-07-22. Review status: criteria provided, single submitter. Criteria: GeneDx Variant Classification Process June 2021. Collection method: clinical testing. Allele origin: germline. Affected: yes.
Comment: Published functional studies demonstrate a damaging effect of reduced ADP-ribosylated eEF2 (PMID: 30877278); In silico analysis supports that this missense variant has a deleterious effect on protein structure/function; This variant is associated with the following publications: (PMID: 26220823, 25558065, 29565416, 24895408, 14744934, 30877278, 32732226, 34297361, 27460824, 26415585, 33704902, 37675463, 36647814, 37326029)

Department of Pathology and Laboratory Medicine, Sinai Health System
Classification: Uncertain significance for developmental delay with short stature, dysmorphic facial features, and sparse hair. Last evaluated: 2023-03-07. Review status: criteria provided, single submitter. Criteria: ACMG Guidelines, 2015. Collection method: research. Allele origin: germline.

3billion
Classification: Pathogenic for Developmental delay with short stature, dysmorphic facial features, and sparse hair 1. Last evaluated: 2022-05-22. Review status: criteria provided, single submitter. Criteria: ACMG Guidelines, 2015. Collection method: clinical testing. Allele origin: germline. Affected: yes. Observed: 1 homozygote.
Comment: The variant is observed at an extremely low frequency in the gnomAD v2.1.1 dataset (total allele frequency: 0.029%). Missense changes are a common disease-causing mechanism. Functional studies provide strong evidence of the variant having a damaging effect on the gene or gene product (PMID: 30877278). In silico tool predictions suggest damaging effect of the variant on gene or gene product (REVEL: 0.73; 3Cnet: 3CNET). Same nucleotide change resulting in same amino acid change has been previously reported as pathogenic/likely pathogenic with strong evidence (ClinVar ID: VCV000521028). The variant has been reported to co-segregate with the disease in at least one similarly affected relative/individual in the same family or similarly affected unrelated family (PMID: 30877278). Therefore, this variant is classified as pathogenic according to the recommendation of ACMG/AMP guideline.

Greenwood Genetic Center Diagnostic Laboratories, Greenwood Genetic Center
Classification: Likely pathogenic for Developmental delay with short stature, dysmorphic facial features, and sparse hair 1. Last evaluated: 2022-03-11. Review status: criteria provided, single submitter. Criteria: ACMG Guidelines, 2015. Collection method: clinical testing. Allele origin: germline. Affected: yes.
Comment: PS3, PM3

Equipe Genetique des Anomalies du Developpement, Université de Bourgogne
Classification: Likely pathogenic for Developmental delay with short stature, dysmorphic facial features, and sparse hair 1. Last evaluated: 2016-08-05. Review status: criteria provided, single submitter. Criteria: ACMG Guidelines, 2015. Collection method: clinical testing. Allele origin: unknown. Affected: yes. Study: Clinvar_gadteam_Clinical_exome_analysis_3.

Centre de Biologie Pathologie Génétique, Centre Hospitalier Universitaire de Lille
Classification: Likely pathogenic for Developmental delay with short stature, dysmorphic facial features, and sparse hair. Review status: criteria provided, single submitter. Criteria: ACMG Guidelines, 2015. Collection method: clinical testing. Allele origin: inherited. Affected: yes.

Clinical Genetics Service, Universitary Hospital 12 de Octubre
Classification: Pathogenic for Developmental delay with short stature, dysmorphic facial features, and sparse hair 1. Review status: criteria provided, single submitter. Criteria: ACMG Guidelines, 2015. Collection method: clinical testing. Allele origin: paternal. Affected: yes.

PreventionGenetics, part of Exact Sciences
Classification: Likely pathogenic for DPH1-related condition. Last evaluated: 2024-01-23. Review status: no assertion criteria provided. Collection method: clinical testing. Allele origin: germline. Not counted in ClinVar's aggregate classification.
Comment: The DPH1 c.374T>C variant is predicted to result in the amino acid substitution p.Leu125Pro. This variant in the homozygous state has been reported in a neonatal patient who was diagnosed with structural anomalies such as birth defects, dysmorphic features, cardiac, craniofacial, and skeletal defects (Powis et al. 2018. PubMed ID: 29565416, Supplementary Table 1). This variant was also reported in the homozygous state in two siblings presenting with a variety of features including developmental delay, central nervous system malformations, short stature, unusual skull shape, and genital anomalies (Urreizti et al. 2020. PubMed ID: 30877278), and a fetus with multiple congenital abnormalities (Lefebvre et al. 2021. PubMed ID: 32732226). Functional studies of DPH1 p.Leu125Pro showed reduced enzyme activity (Urreizti et al. 2020. PubMed ID: 30877278). This variant is reported in 0.059% of alleles in individuals of Latino descent in gnomAD. This variant is interpreted as likely pathogenic.

OMIM
Classification: Pathogenic for DEVELOPMENTAL DELAY WITH SHORT STATURE, DYSMORPHIC FACIAL FEATURES, AND SPARSE HAIR 1. Last evaluated: 2022-09-30. Review status: no assertion criteria provided. Collection method: literature only. Allele origin: germline. Not counted in ClinVar's aggregate classification.

Literature cited by the submitters: PubMed 30877278 (cited by 5 submitters); PubMed 37326029 (cited by 3 submitters); PubMed 36647814 (cited by 3 submitters); PubMed 32732226 (cited by 3 submitters); PubMed 35577939 (cited by Women's Health and Genetics/Laboratory Corporation of America, LabCorp); PubMed 39843441 (cited by Women's Health and Genetics/Laboratory Corporation of America, LabCorp); PubMed 40662098 (cited by Women's Health and Genetics/Laboratory Corporation of America, LabCorp); PubMed 29565416 (cited by Ambry Genetics).